The following is an entry in ClinVar:

NM_001733.7(C1R):c.455C>T (p.Ser152Leu)

Gene: C1R (complement C1r; minus strand). Cytogenetic location: 12p13.31.
Variant type: single nucleotide variant.
Coding change: c.455C>T on transcript NM_001733.7 (MANE Select); coding-DNA position 455, C replaced by T.
Protein change: p.Ser152Leu; replaces serine 152 with leucine.
Molecular consequence: missense variant.
Genome position (GRCh38, 1-based): chr12:7,089,703, G>A on the plus strand (C>T on the coding strand, the complement: C1R is on the minus strand). VCF-style: chr12-7089703-G-A. GRCh37 (hg19) VCF-style: chr12-7242299-G-A.
Other names: p.Ser152Leu; c.497C>T, p.Ser166Leu (NM_001354346.2); short protein forms S152L, S166L.
Identifiers: ClinVar variation 4683725 (VCV004683725.3).

ClinVar aggregate classification (germline): Benign/Likely benign. Review status: criteria provided, multiple submitters, no conflicts (2 of 4 stars). 3 submissions from 3 submitters: Benign (2); Likely benign (1). Last evaluated 2026-01-22.

gnomAD v4.1: 185,227 of 780,680 alleles (24%); highest among the groups gnomAD compares: East Asian, 41%; 23,739 homozygotes.

Submissions (3):

Women's Health and Genetics/Laboratory Corporation of America, LabCorp
Classification: Benign. Last evaluated: 2026-01-22. Review status: criteria provided, single submitter. Criteria: LabCorp Variant Classification Summary - May 2015. Collection method: clinical testing. Allele origin: germline.
Comment: Variant summary: C1R c.455C>T (p.Ser152Leu) results in a non-conservative amino acid change in the encoded protein sequence. Algorithms developed to predict the effect of missense changes on protein structure and function are either unavailable or do not agree on the potential impact of this missense change. The variant allele was found at a frequency of 0.23 in 248866 control chromosomes in the gnomAD database, including 7203 homozygotes. The observed variant frequency exceeds the estimated maximal expected allele frequency for disease-causing variants in C1R. To our knowledge, no occurrence of c.455C>T in individuals affected with C1R-related conditions and no experimental evidence demonstrating its impact on protein function have been reported. ClinVar contains an entry for this variant (Variation ID: 4683725). Based on the evidence outlined above, the variant was classified as benign.

Blueprint Genetics
Classification: Likely benign. Last evaluated: 2024-11-27. Review status: criteria provided, single submitter. Criteria: ACMG Guidelines, 2015. Collection method: clinical testing. Allele origin: germline.

Mayo Clinic Laboratories, Mayo Clinic
Classification: Benign. Last evaluated: 2023-01-06. Review status: criteria provided, single submitter. Criteria: ACMG Guidelines, 2015. Collection method: clinical testing. Allele origin: germline. Observed: 113 variant alleles.